The following is an entry in ClinVar:

ClinVar aggregate classification (germline): Uncertain significance (0 of 4 stars; one submission).

Conditions:
COL2A1-related disorder. Also called: COL2A1-related condition; COL2A1-related disorders.

Submission:

PreventionGenetics, part of Exact Sciences
Classification: Uncertain significance for COL2A1-related condition. Last evaluated: 2024-04-03. Review status: no assertion criteria provided. Collection method: clinical testing. Allele origin: germline.
Comment: The COL2A1 c.4400C>A variant is predicted to result in the amino acid substitution p.Pro1467His. To our knowledge, this variant has not been reported in the literature or in a large population database, indicating this variant is rare. At this time, the clinical significance of this variant is uncertain due to the absence of conclusive functional and genetic evidence.

NM_001844.5(COL2A1):c.4400C>A (p.Pro1467His)

Gene: COL2A1 (collagen type II alpha 1 chain; minus strand). Cytogenetic location: 12q13.11.
Variant type: single nucleotide variant.
Coding change: c.4400C>A on transcript NM_001844.5 (MANE Select); coding-DNA position 4400, C replaced by A.
Protein change: p.Pro1467His; replaces proline 1467 with histidine.
Molecular consequence: missense variant.
Genome position (GRCh38, 1-based): chr12:47,973,471, G>T on the plus strand (C>A on the coding strand, the complement: COL2A1 is on the minus strand). VCF-style: chr12-47973471-G-T. GRCh37 (hg19) VCF-style: chr12-48367254-G-T.
Other names: c.4193C>A, p.Pro1398His (NM_033150.3); short protein forms P1398H, P1467H.
Identifiers: ClinVar variation 2630900 (VCV002630900.2), dbSNP rs2540091281, ClinGen allele CA384533202.